The following is an entry in ClinVar:

NM_001103.4(ACTN2):c.1516A>G (p.Arg506Gly)

Gene: ACTN2 (actinin alpha 2; plus strand). Cytogenetic location: 1q43.
Variant type: single nucleotide variant.
Coding change: c.1516A>G on transcript NM_001103.4 (MANE Select); coding-DNA position 1516, A replaced by G.
Protein change: p.Arg506Gly; replaces arginine 506 with glycine.
Molecular consequence: missense variant.
Genome position (GRCh38, 1-based): chr1:236,749,124, A>G. VCF-style: chr1-236749124-A-G. GRCh37 (hg19) VCF-style: chr1-236912424-A-G.
Other names: p.R506G; NM_001103.4(ACTN2):c.1516A>G; p.Arg506Gly; c.1516A>G, p.Arg506Gly (NM_001278343.2); c.892A>G, p.Arg298Gly (NM_001278344.2); short protein forms R506G, R298G.
Identifiers: ClinVar variation 201640 (VCV000201640.15), dbSNP rs794728967, ClinGen allele CA335029.
Genomic context (GRCh38, chr1:236,749,124, plus strand): 5'-ACACTTTCAGTGAATTTTTTAATTAGTCTATGATAATGCTTGCTTCTCTTTATTCTTTAG[A>G]GAATGGAGAAATTGCTAGAAACCATTGATCAGCTTCACCTGGAGTTTGCCAAGAGGGCTG-3'
Protein context (NP_001094.1, residues 496-516): LTQKRREALE[Arg506Gly]MEKLLETIDQ

ClinVar aggregate classification (germline): Uncertain significance. Review status: criteria provided, multiple submitters, no conflicts (2 of 4 stars). 5 submissions from 5 submitters: Uncertain significance (4). 1 of the submissions does not count toward it. Last evaluated 2024-12-10.

Conditions:
Myopathy, distal, 6, adult-onset, autosomal dominant. Identifiers: MedGen C5203349, MONDO:0032853, OMIM 618655.
Central core myopathy (CMYO1A). Also called: Central core disease; Myopathy, central fibrillar; CONGENITAL MYOPATHY 1A, AUTOSOMAL DOMINANT, WITH SUSCEPTIBILITY TO MALIGNANT HYPERTHERMIA. Identifiers: Orphanet 597, MedGen C5830701, MONDO:0007294, OMIM 117000.
ACTN2-related disorder. Also called: ACTN2 related condition; ACTN2-related disorders.
Cardiovascular phenotype. Identifiers: MedGen CN230736.
Dilated cardiomyopathy 1AA (CMD1AA). Also called: Cardiomyopathy, dilated, 1AA, with or without LVNC; CARDIOMYOPATHY, DILATED, 1AA, WITH OR WITHOUT LEFT VENTRICULAR NONCOMPACTION; CARDIOMYOPATHY, FAMILIAL HYPERTROPHIC, 23, WITH OR WITHOUT LEFT VENTRICULAR NONCOMPACTION. Identifiers: Orphanet 154, MedGen C2677338, MONDO:0012808, OMIM 612158.
Primary familial hypertrophic cardiomyopathy (HCM). Identifiers: Orphanet 99739, MedGen C0949658, MeSH D024741, MONDO:0024573. Inheritance: Various modes of inheritance.
Neuromuscular disease. Also called: Neuromyopathy; Neuromuscular disorder. Identifiers: Orphanet 68381, MedGen C0027868, MeSH D009468, MONDO:0019056.

Allele frequency attached by ClinVar (database versions not stated): TOPMed below 0.00001.
gnomAD v4.1: 1 of 1,614,162 alleles (0.000062%); no homozygotes.

Submissions (5):

Broad Center for Mendelian Genomics, Broad Institute of MIT and Harvard
Classification: Uncertain significance for Neuromuscular disease. Last evaluated: 2024-12-10. Review status: criteria provided, single submitter. Criteria: ACMG Guidelines, 2015. Collection method: curation. Allele origin: germline. Inheritance: Autosomal recessive inheritance. Study: GREGoR Consortium.
Comment: We believe this is a possible novel mode of inheritance for ACTN2 myopathy but it is still lacking sufficient evidence. Given the limited information about this mode of inheritance, the significance of the p.Arg506Gly variant is uncertain. If you have any additional information about functional evidence or other individuals with recessive variants in ACTN2 we encourage you to reach out to us.

Labcorp Genetics (formerly Invitae), Labcorp
Classification: Uncertain significance for Primary familial hypertrophic cardiomyopathy; Dilated cardiomyopathy 1AA. Last evaluated: 2024-05-29. Review status: criteria provided, single submitter. Criteria: Invitae Variant Classification Sherloc (09022015). Collection method: clinical testing. Allele origin: germline.
Comment: This sequence change replaces arginine, which is basic and polar, with glycine, which is neutral and non-polar, at codon 506 of the ACTN2 protein (p.Arg506Gly). This variant is not present in population databases (gnomAD no frequency). This variant has not been reported in the literature in individuals affected with ACTN2-related conditions. ClinVar contains an entry for this variant (Variation ID: 201640). An algorithm developed to predict the effect of missense changes on protein structure and function (PolyPhen-2) suggests that this variant is likely to be disruptive. In summary, the available evidence is currently insufficient to determine the role of this variant in disease. Therefore, it has been classified as a Variant of Uncertain Significance.

Ambry Genetics
Classification: Uncertain significance for Cardiovascular phenotype. Last evaluated: 2024-01-27. Review status: criteria provided, single submitter. Criteria: Ambry Variant Classification Scheme 2023. Collection method: clinical testing. Allele origin: germline.
Comment: The p.R506G variant (also known as c.1516A>G) is located in coding exon 14 of the ACTN2 gene. The arginine at codon 506 is replaced by glycine, an amino acid with dissimilar properties. This change occurs in the first base pair of coding exon 14. This amino acid position is conserved. In addition, the in silico prediction for this alteration is inconclusive. Based on the available evidence, the clinical significance of this alteration remains unclear.

Breakthrough Genomics
Classification: Uncertain significance. Review status: criteria provided, single submitter. Criteria: ACMG Guidelines, 2015. Collection method: not provided. Allele origin: germline. Inheritance: Autosomal dominant inheritance. Affected: yes.

Undiagnosed Diseases Network, NIH
Classification: Pathogenic for ACTN2 related condition. Last evaluated: 2024-04-22. Review status: no assertion criteria provided. Collection method: clinical testing. Allele origin: biparental. Affected: yes. Observed: 1 variant allele, 1 homozygote. Study: Undiagnosed Diseases Network (NIH), UDN. Not counted in ClinVar's aggregate classification.

Literature cited by the submitters: PubMed 38311799 (cited by Undiagnosed Diseases Network, NIH).